The following is an entry in ClinVar:

NM_000268.4(NF2):c.1393G>C (p.Glu465Gln)

Gene: NF2 (NF2, moesin-ezrin-radixin like (MERLIN) tumor suppressor; plus strand). Cytogenetic location: 22q12.2.
Variant type: single nucleotide variant.
Coding change: c.1393G>C on transcript NM_000268.4 (MANE Select); coding-DNA position 1393, G replaced by C.
Protein change: p.Glu465Gln; replaces glutamic acid 465 with glutamine.
Molecular consequence: missense variant. On other transcripts: non-coding transcript variant (1), intron variant (1).
Genome position (GRCh38, 1-based): chr22:29,674,888, G>C. VCF-style: chr22-29674888-G-C. GRCh37 (hg19) VCF-style: chr22-30070877-G-C.
Other names: c.1279G>C, p.Glu427Gln (NM_001407053.1, NM_001407056.1); c.1270G>C, p.Glu424Gln (NM_001407054.1, NM_001407058.1, NM_181829.3); c.1267G>C, p.Glu423Gln (NM_001407055.1, NM_181828.3); c.1258G>C, p.Glu420Gln (NM_001407057.1, NM_001407059.1); c.1393G>C, p.Glu465Gln (NM_001407060.1, NM_001407066.1, NM_016418.5 and 2 more transcripts); c.1135G>C, p.Glu379Gln (NM_001407062.1); c.1144G>C, p.Glu382Gln (NM_001407063.1, NM_001407064.1, NM_181830.3 and 1 more transcripts); c.859G>C, p.Glu287Gln (NM_001407065.1); and 2 more; short protein forms E424Q, E427Q, E382Q, E388Q, E379Q, E287Q, E420Q, E423Q.
Identifiers: ClinVar variation 3643878 (VCV003643878.2).
Genomic context (GRCh38, chr22:29,674,888, plus strand): 5'-CCTTGCAGGGCCAAAGAGGCAGATCAGCTGAAGCAGGACCTGCAGGAAGCACGCGAGGCG[G>C]AGCGAAGAGCCAAGCAGAAGCTCCTGGAGATTGCCACCAAGCCCACGTACCCGGTGAGCC-3'
Protein context (NP_000259.1, residues 455-475): KQDLQEAREA[Glu465Gln]RRAKQKLLEI

ClinVar aggregate classification (germline): Uncertain significance (1 of 4 stars; one submission).

Conditions:
Neurofibromatosis, type 2 (SWNV). Also called: BILATERAL ACOUSTIC NEUROFIBROMATOSIS; SCHWANNOMATOSIS, VESTIBULAR; NF2-Related Schwannomatosis. Identifiers: Orphanet 637, MedGen C0027832, MONDO:0007039, OMIM 101000. Disease mechanism: loss of function.

Submission:

Labcorp Genetics (formerly Invitae), Labcorp
Classification: Uncertain significance for Neurofibromatosis, type 2. Last evaluated: 2024-11-05. Review status: criteria provided, single submitter. Criteria: Invitae Variant Classification Sherloc (09022015). Collection method: clinical testing. Allele origin: germline.
Comment: This sequence change replaces glutamic acid, which is acidic and polar, with glutamine, which is neutral and polar, at codon 465 of the NF2 protein (p.Glu465Gln). This variant is not present in population databases (gnomAD no frequency). This variant has not been reported in the literature in individuals affected with NF2-related conditions. Invitae Evidence Modeling of protein sequence and biophysical properties (such as structural, functional, and spatial information, amino acid conservation, physicochemical variation, residue mobility, and thermodynamic stability) has been performed for this missense variant. However, the output from this modeling did not meet the statistical confidence thresholds required to predict the impact of this variant on NF2 protein function. In summary, the available evidence is currently insufficient to determine the role of this variant in disease. Therefore, it has been classified as a Variant of Uncertain Significance.